The following is an entry in ClinVar:

ClinVar aggregate classification (germline): Uncertain significance. Review status: criteria provided, multiple submitters, no conflicts (2 of 4 stars). 5 submissions from 5 submitters: Uncertain significance (4). 1 of the submissions does not count toward it. Last evaluated 2026-09-02.

Conditions:
RHO-related disorder. Also called: RHO-related condition.
Retinitis pigmentosa 4 (RP4). Also called: RETINITIS PIGMENTOSA, RHODOPSIN-RELATED. Identifiers: Orphanet 791, MedGen C3151001, MONDO:0013395, OMIM 613731.

Allele frequency attached by ClinVar (database versions not stated): ExAC 0.00005; ESP Exome Variant Server 0.00008; gnomAD exomes 0.00019; gnomAD 0.00038 and 0.00040; TOPMed 0.00050.

Submissions (5):

PreventionGenetics, part of Exact Sciences
Classification: Uncertain significance for RHO-related condition. Last evaluated: 2026-09-02. Review status: criteria provided, single submitter. Criteria: ACMG Guidelines, 2015. Collection method: clinical testing. Allele origin: germline.
Comment: The RHO c.439C>T variant is predicted to result in the amino acid substitution p.Arg147Cys. This variant was reported in the heterozygous state in individuals with retinitis pigmentosa, and segregation with disease was confirmed in at least two affected individuals (Carrigan et al. 2016. PubMed ID: 27624628). Functional studies revealed that this variant had high cell surface-level expression, which was determined as uninformative by the authors (Table S1, Wan et al. 2019. PubMed ID: 30977563). However, this variant is reported in 0.093% of alleles in individuals of Latino descent in gnomAD, including one homozygote, which may be too frequent to be a primary cause of disease. Although we suspect that this variant may be benign, the clinical significance of this variant is currently classified as uncertain due to the absence of conclusive functional and genetic evidence.

Labcorp Genetics (formerly Invitae), Labcorp
Classification: Uncertain significance. Last evaluated: 2026-01-20. Review status: criteria provided, single submitter. Criteria: Invitae Variant Classification Sherloc (09022015). Collection method: clinical testing. Allele origin: germline.
Comment: This sequence change replaces arginine, which is basic and polar, with cysteine, which is neutral and slightly polar, at codon 147 of the RHO protein (p.Arg147Cys). This variant is present in population databases (rs200165530, gnomAD 0.09%). This missense change has been observed in individual(s) with retinitis pigmentosa (PMID: 27624628). ClinVar contains an entry for this variant (Variation ID: 625302). Invitae Evidence Modeling of protein sequence and biophysical properties (such as structural, functional, and spatial information, amino acid conservation, physicochemical variation, residue mobility, and thermodynamic stability) has been performed for this missense variant. However, the output from this modeling did not meet the statistical confidence thresholds required to predict the impact of this variant on RHO protein function. In summary, the available evidence is currently insufficient to determine the role of this variant in disease. Therefore, it has been classified as a Variant of Uncertain Significance.

Blueprint Genetics
Classification: Uncertain significance. Last evaluated: 2022-11-24. Review status: criteria provided, single submitter. Criteria: ACMG Guidelines, 2015. Collection method: clinical testing. Allele origin: germline.

Centre for Genomic Medicine, Manchester, Central Manchester University Hospitals
Classification: Uncertain significance for Retinitis pigmentosa 4. Last evaluated: 2020-09-01. Review status: criteria provided, single submitter. Criteria: ACMG Guidelines, 2015. Collection method: clinical testing. Allele origin: germline. Affected: yes. Observed: 1 heterozygote.

Ocular Genomics Institute, Massachusetts Eye and Ear
Classification: Uncertain significance for Retinitis pigmentosa 4. Last evaluated: 2019-01-09. Review status: no assertion criteria provided. Collection method: research. Allele origin: germline. Affected: yes. Not counted in ClinVar's aggregate classification.

Literature cited by the submitters: PubMed 27624628 (cited by Labcorp Genetics (formerly Invitae), Labcorp).

NM_000539.3(RHO):c.439C>T (p.Arg147Cys)

Gene: RHO (rhodopsin; plus strand). Cytogenetic location: 3q22.1.
Variant type: single nucleotide variant.
Coding change: c.439C>T on transcript NM_000539.3 (MANE Select); coding-DNA position 439, C replaced by T.
Protein change: p.Arg147Cys; replaces arginine 147 with cysteine.
Molecular consequence: missense variant.
Genome position (GRCh38, 1-based): chr3:129,530,953, C>T. VCF-style: chr3-129530953-C-T. GRCh37 (hg19) VCF-style: chr3-129249796-C-T.
Other names: short protein forms R147C.
Identifiers: ClinVar variation 625302 (VCV000625302.11), dbSNP rs200165530, ClinGen allele CA2607157.
Genomic context (GRCh38, chr3:129,530,953, plus strand): 5'-TCCTTGGTGGTCCTGGCCATCGAGCGGTACGTGGTGGTGTGTAAGCCCATGAGCAACTTC[C>T]GCTTCGGGGAGAACCATGCCATCATGGGCGTTGCCTTCACCTGGGTCATGGCGCTGGCCT-3'
Protein context (NP_000530.1, residues 137-157): VVVCKPMSNF[Arg147Cys]FGENHAIMGV